The following is an entry in ClinVar:

NM_014314.4(RIGI):c.100A>G (p.Arg34Gly)

Gene: RIGI (RNA sensor RIG-I; minus strand). Cytogenetic location: 9p21.1.
Variant type: single nucleotide variant.
Coding change: c.100A>G on transcript NM_014314.4 (MANE Select); coding-DNA position 100, A replaced by G.
Protein change: p.Arg34Gly; replaces arginine 34 with glycine.
Molecular consequence: missense variant. On other transcripts: 5 prime UTR variant (3).
Genome position (GRCh38, 1-based): chr9:32,526,067, T>C on the plus strand (A>G on the coding strand, the complement: RIGI is on the minus strand). VCF-style: chr9-32526067-T-C. GRCh37 (hg19) VCF-style: chr9-32526065-T-C.
Other names: c.100A>G (NM_014314.3); c.100A>G, p.Arg34Gly (NM_001385907.1, NM_001385909.1, NM_001385913.1); c.-355A>G (NM_001385910.1, NM_001385914.1); c.-362A>G (NM_001385912.1); short protein forms R34G.
Identifiers: ClinVar variation 2890866 (VCV002890866.4), dbSNP rs1342843004, ClinGen allele CA373150687.

ClinVar aggregate classification (germline): Uncertain significance. Review status: criteria provided, multiple submitters, no conflicts (2 of 4 stars). 2 submissions from 2 submitters: Uncertain significance (2). Last evaluated 2026-01-06.

Conditions:
Inborn genetic diseases. Identifiers: MedGen C0950123, MeSH D030342.

Allele frequency attached by ClinVar (database versions not stated): gnomAD exomes 0.00001; gnomAD 0.00002; TOPMed below 0.00001.
gnomAD v4.1: 20 of 1,613,326 alleles (0.0012%); highest among the groups gnomAD compares: Non-Finnish European, 0.0016%; no homozygotes.

Submissions (2):

Labcorp Genetics (formerly Invitae), Labcorp
Classification: Uncertain significance. Last evaluated: 2026-01-06. Review status: criteria provided, single submitter. Criteria: Invitae Variant Classification Sherloc (09022015). Collection method: clinical testing. Allele origin: germline.
Comment: This sequence change replaces arginine, which is basic and polar, with glycine, which is neutral and non-polar, at codon 34 of the DDX58 protein (p.Arg34Gly). This variant is present in population databases (no rsID available, gnomAD 0.004%). This variant has not been reported in the literature in individuals affected with DDX58-related conditions. ClinVar contains an entry for this variant (Variation ID: 2890866). An algorithm developed to predict the effect of missense changes on protein structure and function outputs the following: PolyPhen-2: "Benign". The glycine amino acid residue is found in multiple mammalian species, which suggests that this missense change does not adversely affect protein function. In summary, the available evidence is currently insufficient to determine the role of this variant in disease. Therefore, it has been classified as a Variant of Uncertain Significance.

Ambry Genetics
Classification: Uncertain significance for Inborn genetic diseases. Last evaluated: 2022-12-28. Review status: criteria provided, single submitter. Criteria: Ambry Variant Classification Scheme 2023. Collection method: clinical testing. Allele origin: germline.